The following is an entry in ClinVar:

ClinVar aggregate classification (germline): Pathogenic (1 of 4 stars; one submission).

Conditions:
Primary ciliary dyskinesia. Also called: Ciliary dyskinesia. Identifiers: Orphanet 244, MedGen C0008780, MONDO:0016575, HP:0012265.

Submission:

Labcorp Genetics (formerly Invitae), Labcorp
Classification: Pathogenic for Primary ciliary dyskinesia. Last evaluated: 2023-11-29. Review status: criteria provided, single submitter. Criteria: Invitae Variant Classification Sherloc (09022015). Collection method: clinical testing. Allele origin: germline.
Comment: This sequence change creates a premature translational stop signal (p.Asp387Metfs*2) in the CCDC39 gene. It is expected to result in an absent or disrupted protein product. Loss-of-function variants in CCDC39 are known to be pathogenic (PMID: 21131972, 23255504). This variant is not present in population databases (gnomAD no frequency). This variant has not been reported in the literature in individuals affected with CCDC39-related conditions. Algorithms developed to predict the effect of sequence changes on RNA splicing suggest that this variant may disrupt the consensus splice site. For these reasons, this variant has been classified as Pathogenic.

Literature cited by the submitters: PubMed 21131972; PubMed 23255504.

NM_181426.2(CCDC39):c.1158del (p.Asp387fs)

Gene: CCDC39 (coiled-coil domain 39 molecular ruler complex subunit; minus strand). Cytogenetic location: 3q26.33.
Variant type: Deletion.
Coding change: c.1158del on transcript NM_181426.2 (MANE Select); coding-DNA position 1158, one base deleted (A; older notation c.1158delA).
Protein change: p.Asp387fs; shifts the reading frame from aspartic acid 387.
Molecular consequence: frameshift variant.
Genome position (GRCh38, 1-based): chr3:180,651,410, T deleted on the plus strand (A on the coding strand, the reverse complement: CCDC39 is on the minus strand); the first of 5 consecutive T bases (chr3:180,651,410-180,651,414); deleting any one gives the same sequence. VCF-style (leftmost placement, unchanged base first): chr3-180651409-CT-C. GRCh37 (hg19) VCF-style: chr3-180369197-CT-C.
Other names: short protein forms D387fs.
Identifiers: ClinVar variation 2699701 (VCV002699701.3), dbSNP rs2473813226, ClinGen allele CA2668663563.
Genomic context (GRCh38, chr3:180,651,409, plus strand): 5'-CACTGTTGCTAAATTTTCTGTGATTTAAAGAAAAATTAAAACTAAACTTTACCTTCACAT[CT>C]TTTTCCTCCTCCTTTAGCATATCTTCCAAATTAGTAGCTTTCTCTTCTACAGACATGGTT-3'